The following is an entry in ClinVar:

ClinVar aggregate classification (germline): Likely benign (1 of 4 stars; one submission).

Allele frequency attached by ClinVar (database versions not stated): 1000 Genomes Project 0.00140; 1000 Genomes Project 30x 0.00172; TOPMed 0.00382; gnomAD 0.00407; ExAC 0.00523; ESP Exome Variant Server 0.00533.

Submission:

CeGaT Center for Human Genetics Tuebingen
Classification: Likely benign. Last evaluated: 2023-03-01. Review status: criteria provided, single submitter. Criteria: CeGaT Center For Human Genetics Tuebingen Variant Classification Criteria Version 2. Collection method: clinical testing. Allele origin: germline. Affected: yes. Observed: 1 variant allele.
Comment: FCHSD1: BP4, BP7, BS2

NM_033449.3(FCHSD1):c.1731C>T (p.Pro577=)

Gene: FCHSD1 (FCH and double SH3 domains 1; minus strand). Cytogenetic location: 5q31.3.
Variant type: single nucleotide variant.
Coding change: c.1731C>T on transcript NM_033449.3 (MANE Select); coding-DNA position 1731, C replaced by T.
Protein change: p.Pro577=; no amino-acid change (proline 577 retained).
Molecular consequence: synonymous variant.
Genome position (GRCh38, 1-based): chr5:141,644,350, G>A on the plus strand (C>T on the coding strand, the complement: FCHSD1 is on the minus strand). VCF-style: chr5-141644350-G-A. GRCh37 (hg19) VCF-style: chr5-141023917-G-A.
Identifiers: ClinVar variation 2655870 (VCV002655870.24), dbSNP rs150119878, ClinGen allele CA3480521.
Genomic context (GRCh38, chr5:141,644,350, plus strand): 5'-CCCAACACGGCCCCCAAATTCTCCCCTCCAGAAGCCGTCATCTACTCCATCTTGGGCCCG[G>A]GGCAGCAGACGGATGAGTGCCCCCTCAGGGAAGCTCAGCTCCTCTGCACTCTGTCCGGTG-3'
Protein context (NP_258260.1, residues 567-587): FPEGALIRLL[Pro577=]RAQDGVDDGF